The following is an entry in ClinVar:

ClinVar aggregate classification (germline): Uncertain significance (1 of 4 stars; one submission).

Submission:

GeneDx
Classification: Uncertain significance. Last evaluated: 2025-04-15. Review status: criteria provided, single submitter. Criteria: GeneDx Variant Classification Process June 2021. Collection method: clinical testing. Allele origin: germline. Affected: yes.
Comment: Frameshift variant predicted to result in protein truncation or nonsense mediated decay in a gene or region of a gene for which loss of function is not a well-established mechanism of disease; Not observed at significant frequency in large population cohorts (gnomAD); Has not been previously published as pathogenic or benign to our knowledge

NM_001961.4(EEF2):c.244dup (p.Ser82fs)

Gene: EEF2 (eukaryotic translation elongation factor 2; minus strand). Cytogenetic location: 19p13.3.
Variant type: Duplication.
Coding change: c.244dup on transcript NM_001961.4 (MANE Select); coding-DNA position 244, one base duplicated (T; older notation c.244dupT).
Protein change: p.Ser82fs; shifts the reading frame from serine 82.
Molecular consequence: frameshift variant.
Genome position (GRCh38, 1-based): chr19:3,983,266, A duplicated on the plus strand (T on the coding strand, the reverse complement: EEF2 is on the minus strand). VCF-style (leftmost placement, unchanged base first): chr19-3983265-G-GA. GRCh37 (hg19) VCF-style: chr19-3983263-G-GA.
Other names: short protein forms S82fs.
Identifiers: ClinVar variation 4282274 (VCV004282274.1).
Genomic context (GRCh38, chr19:3,983,265, plus strand): 5'-AGGTTGATGAGGAAGCCGGCACCGTCCTTGCTCTGCTTGATGAAGTTCAAGTCATTCTCC[G>GA]AGAGCTCGTAGAAGAGGGAGATGGCACTGATGGAGGGAGGGACTCGTCAGGGGGACAGGA-3'